The following is an entry in ClinVar:

ClinVar aggregate classification (germline): Uncertain significance (1 of 4 stars; one submission).

gnomAD v4.1: 22 of 1,614,000 alleles (0.0014%); highest among the groups gnomAD compares: Middle Eastern, 0.016%; no homozygotes.

Submission:

Ambry Genetics
Classification: Uncertain significance. Last evaluated: 2026-07-01. Review status: criteria provided, single submitter. Criteria: Ambry Variant Classification Scheme 2023. Collection method: clinical testing. Allele origin: germline.
Comment: The p.P11L variant (also known as c.32C>T), located in coding exon 2 of the KEL gene, results from a C to T substitution at nucleotide position 32. The proline at codon 11 is replaced by leucine, an amino acid with similar properties. This amino acid position is conserved. In addition, this alteration is predicted to be tolerated by in silico analysis. Based on the available evidence, the clinical significance of this variant remains unclear.

NM_000420.3(KEL):c.32C>T (p.Pro11Leu)

Gene: KEL (Kell metallo-endopeptidase (Kell blood group); minus strand). Cytogenetic location: 7q34.
Variant type: single nucleotide variant.
Coding change: c.32C>T on transcript NM_000420.3 (MANE Select); coding-DNA position 32, C replaced by T.
Protein change: p.Pro11Leu; replaces proline 11 with leucine.
Molecular consequence: missense variant.
Genome position (GRCh38, 1-based): chr7:142,961,844, G>A on the plus strand (C>T on the coding strand, the complement: KEL is on the minus strand). VCF-style: chr7-142961844-G-A. GRCh37 (hg19) VCF-style: chr7-142658931-G-A.
Other names: short protein forms P11L.
Identifiers: ClinVar variation 4543124 (VCV004543124.2).